The following is an entry in ClinVar:

NM_000053.4(ATP7B):c.4003G>C (p.Gly1335Arg)

Gene: ATP7B (ATPase copper transporting beta; minus strand). Cytogenetic location: 13q14.3.
Variant type: single nucleotide variant.
Coding change: c.4003G>C on transcript NM_000053.4 (MANE Select); coding-DNA position 4003, G replaced by C.
Protein change: p.Gly1335Arg; replaces glycine 1335 with arginine.
Molecular consequence: missense variant.
Genome position (GRCh38, 1-based): chr13:51,937,294, C>G on the plus strand (G>C on the coding strand, the complement: ATP7B is on the minus strand). VCF-style: chr13-51937294-C-G. GRCh37 (hg19) VCF-style: chr13-52511430-C-G.
Other names: c.3970G>C, p.Gly1324Arg (NM_001406514.1); c.3949G>C, p.Gly1317Arg (NM_001406515.1, NM_001406516.1); c.3907G>C, p.Gly1303Arg (NM_001406517.1, NM_001406518.1); c.3868G>C, p.Gly1290Arg (NM_001406519.1); c.3859G>C, p.Gly1287Arg (NM_001406520.1, NM_001406521.1, NM_001406522.1); c.3820G>C, p.Gly1274Arg (NM_001406523.1); c.3826G>C, p.Gly1276Arg (NM_001406524.1); c.3808G>C, p.Gly1270Arg (NM_001406525.1); and 22 more; short protein forms G1054R, G1108R, G1119R, G1128R, G1141R, G1171R, G1173R, G1186R.
Identifiers: ClinVar variation 3382251 (VCV003382251.5).

ClinVar aggregate classification (germline): Conflicting classifications of pathogenicity. Review status: criteria provided, conflicting classifications (1 of 4 stars). 4 submissions from 4 submitters: Pathogenic (2); Likely pathogenic (1); Uncertain significance (1). Last evaluated 2025-10-27.

Conditions:
Wilson disease (WND). Also called: Wilson's disease. Identifiers: Orphanet 905, MedGen C0019202, MONDO:0010200, OMIM 277900. Disease mechanism: loss of function.

Submissions (4):

Natera, Inc.
Classification: Pathogenic for Wilson disease. Last evaluated: 2025-10-27. Review status: criteria provided, single submitter. Criteria: Natera Variant Classification Schema (03/2026). Collection method: clinical testing. Allele origin: germline.
Comment: The c.4003G>C variant in ATP7B is a missense variant predicted to cause substitution of glycine to arginine at amino acid 1335. This variant is rare in the general population with a frequency below the threshold expected for the associated phenotype(s). This variant has been observed in one or more individuals affected with the associated recessive disease, as either homozygous or compound heterozygous with a second variant (PMID: 35220961, 30702195, 23275100). Computational prediction algorithms indicate this variant is likely to affect gene or protein function. Given the available evidence, this variant is classified as Pathogenic.

Labcorp Genetics (formerly Invitae), Labcorp
Classification: Pathogenic for Wilson disease. Last evaluated: 2025-05-01. Review status: criteria provided, single submitter. Criteria: Invitae Variant Classification Sherloc (09022015). Collection method: clinical testing. Allele origin: germline.
Comment: This sequence change replaces glycine, which is neutral and non-polar, with arginine, which is basic and polar, at codon 1335 of the ATP7B protein (p.Gly1335Arg). This variant is not present in population databases (gnomAD no frequency). This missense change has been observed in individuals with Wilson's disease (PMID: 35220961). ClinVar contains an entry for this variant (Variation ID: 3382251). Invitae Evidence Modeling of protein sequence and biophysical properties (such as structural, functional, and spatial information, amino acid conservation, physicochemical variation, residue mobility, and thermodynamic stability) indicates that this missense variant is expected to disrupt ATP7B protein function with a positive predictive value of 80%. For these reasons, this variant has been classified as Pathogenic.

Chongqing Key Laboratory of Child Rare Diseases in Infection and Immunity, Children’s Hospital of Chongqing Medical University
Classification: Uncertain significance for Wilson disease. Last evaluated: 2024-01-01. Review status: criteria provided, single submitter. Criteria: ACMG Guidelines, 2015. Collection method: clinical testing. Allele origin: germline. Inheritance: Autosomal recessive inheritance. Affected: yes.
Comment: Classified as Uncertain significance according to the ACMG/AMP 2015 guidelines (PMID:25741868). The classification was based on the available submitted evidence for Wilson disease (OMIM:277900), including clinical-testing observations, variant consequence/protein annotation, and published or ClinVar evidence where available. Supporting information considered: variant annotation: p.Gly1335Arg; Missense; Protein domain: Core (post-N); submitted notation: NM_000053.4:c.4003G>C (p.Gly1335Arg); source variant type: Missense; source domain: Core (post-N); allele count n=230: 1.

Juno Genomics, Hangzhou Juno Genomics, Inc
Classification: Likely pathogenic for Wilson disease. Review status: criteria provided, single submitter. Criteria: ACMG Guidelines, 2015. Collection method: clinical testing. Allele origin: germline. Affected: yes.
Comment: Absent from controls (or at extremely low frequency if recessive) in Genome Aggregation Database, Exome Sequencing Project, 1000 Genomes Project, or Exome Aggregation Consortium.;Multiple lines of computational evidence support a deleterious effect on the gene or gene product (conservation, evolutionary, splicing impact, etc).;Patient's phenotype or family history is highly specific for a disease with a single genetic etiology.;For recessive disorders, detected in trans with a pathogenic variant.

Literature cited by the submitters: PubMed 35220961 (cited by Natera, Inc. and Labcorp Genetics (formerly Invitae), Labcorp); PubMed 30702195 (cited by Natera, Inc.); PubMed 23275100 (cited by Natera, Inc.).